The following is an entry in ClinVar:

ClinVar aggregate classification (germline): Pathogenic (1 of 4 stars; one submission).

Submission:

Labcorp Genetics (formerly Invitae), Labcorp
Classification: Pathogenic. Last evaluated: 2022-06-15. Review status: criteria provided, single submitter. Criteria: Invitae Variant Classification Sherloc (09022015). Collection method: clinical testing. Allele origin: germline.
Comment: For these reasons, this variant has been classified as Pathogenic. This variant has not been reported in the literature in individuals affected with RUSC2-related conditions. This variant is not present in population databases (gnomAD no frequency). This sequence change creates a premature translational stop signal (p.Pro733Hisfs*109) in the RUSC2 gene. It is expected to result in an absent or disrupted protein product. Loss-of-function variants in RUSC2 are known to be pathogenic (PMID: 27612186).

Literature cited by the submitters: PubMed 27612186.

NM_014806.5(RUSC2):c.2198del (p.Pro733fs)

Gene: RUSC2 (RUN and SH3 domain containing 2; plus strand). Cytogenetic location: 9p13.3.
Variant type: Deletion.
Coding change: c.2198del on transcript NM_014806.5 (MANE Select); coding-DNA position 2198, one base deleted (C; older notation c.2198delC).
Protein change: p.Pro733fs; shifts the reading frame from proline 733.
Molecular consequence: frameshift variant. On other transcripts: 5 prime UTR variant (1), non-coding transcript variant (1).
Genome position (GRCh38, 1-based): chr9:35,555,243, C deleted; the last of 4 consecutive C bases (chr9:35,555,240-35,555,243); deleting any one gives the same sequence. VCF-style (leftmost placement, unchanged base first): chr9-35555239-GC-G. GRCh37 (hg19) VCF-style: chr9-35555236-GC-G.
Other names: c.2198del, p.Pro733fs (NM_001135999.2); c.-437del (NM_001330740.2); short protein forms P733fs.
Identifiers: ClinVar variation 2007333 (VCV002007333.4), dbSNP rs2490401718, ClinGen allele CA2580080422.